The following is an entry in ClinVar:

ClinVar aggregate classification (germline): Uncertain significance (1 of 4 stars; one submission).

Allele frequency attached by ClinVar (database versions not stated): TOPMed 0.00001 and below 0.00001; gnomAD exomes below 0.00001.
gnomAD v4.1: 1 of 1,613,870 alleles (0.000062%); highest among the groups gnomAD compares: East Asian, 0.0022%; no homozygotes.

Submission:

Laboratory for Molecular Medicine, Mass General Brigham Personalized Medicine
Classification: Uncertain significance. Last evaluated: 2014-11-05. Review status: criteria provided, single submitter. Criteria: LMM Criteria. Collection method: clinical testing. Allele origin: germline. Observed: 1 variant allele.
Comment: The p.Thr28265Ile variant in TTN has not been previously reported in individuals with cardiomyopathy or in large population studies. Computational prediction to ols and conservation analysis do not provide strong support for or against an im pact to the protein. In summary, the clinical significance of the p.Thr28265Ile variant is uncertain.

NM_001267550.2(TTN):c.92498C>T (p.Thr30833Ile)

Genes: TTN (titin; minus strand), TTN-AS1 (TTN antisense RNA 1; plus strand). Cytogenetic location: 2q31.2.
Variant type: single nucleotide variant.
Coding change: c.92498C>T on transcript NM_001267550.2 (MANE Select); coding-DNA position 92498, C replaced by T.
Protein change: p.Thr30833Ile; replaces threonine 30833 with isoleucine.
Molecular consequence: missense variant.
Genome position (GRCh38, 1-based): chr2:178,549,128, G>A on the plus strand (C>T on the coding strand, the complement: TTN is on the minus strand). VCF-style: chr2-178549128-G-A. GRCh37 (hg19) VCF-style: chr2-179413855-G-A.
Other names: c.84794C>T, p.Thr28265Ile (NM_133378.4); c.87575C>T, p.Thr29192Ile (NM_001256850.1); c.65303C>T, p.Thr21768Ile (NM_003319.4); c.65678C>T, p.Thr21893Ile (NM_133432.3); c.65879C>T, p.Thr21960Ile (NM_133437.4); short protein forms T28265I, T30833I, T21893I, T21768I, T21960I, T29192I.
Identifiers: ClinVar variation 180081 (VCV000180081.5), dbSNP rs727505334, ClinGen allele CA185771.